The following is an entry in ClinVar:

ClinVar aggregate classification (germline): Uncertain significance (1 of 4 stars; one submission).

Conditions:
Hereditary cancer-predisposing syndrome. Also called: Neoplastic Syndromes, Hereditary; Tumor predisposition; Hereditary neoplastic syndrome; Hereditary Cancer Syndrome. Identifiers: Orphanet 140162, MedGen C0027672, MeSH D009386, MONDO:0015356.

Submission:

Ambry Genetics
Classification: Uncertain significance for Hereditary cancer-predisposing syndrome. Last evaluated: 2022-12-23. Review status: criteria provided, single submitter. Criteria: Ambry Variant Classification Scheme 2023. Collection method: clinical testing. Allele origin: germline.
Comment: The p.A39S variant (also known as c.115G>T), located in coding exon 1 of the GREM1 gene, results from a G to T substitution at nucleotide position 115. The alanine at codon 39 is replaced by serine, an amino acid with similar properties. This amino acid position is conserved. In addition, this alteration is predicted to be tolerated by in silico analysis. Since supporting evidence is limited at this time, the clinical significance of this alteration remains unclear.

NM_013372.7(GREM1):c.115G>T (p.Ala39Ser)

Gene: GREM1 (gremlin 1, DAN family BMP antagonist; plus strand). Cytogenetic location: 15q13.3.
Variant type: single nucleotide variant.
Coding change: c.115G>T on transcript NM_013372.7 (MANE Select); coding-DNA position 115, G replaced by T.
Protein change: p.Ala39Ser; replaces alanine 39 with serine.
Molecular consequence: missense variant. On other transcripts: splice donor variant (1), intron variant (1).
Genome position (GRCh38, 1-based): chr15:32,730,805, G>T. VCF-style: chr15-32730805-G-T. GRCh37 (hg19) VCF-style: chr15-33023006-G-T.
Other names: c.115G>T, p.Ala39Ser (NM_001368719.1); c.114+1G>T (NM_001191323.2); c.27+88G>T (NM_001191322.2); short protein forms A39S.
Identifiers: ClinVar variation 2452383 (VCV002452383.2), dbSNP rs2055602701, ClinGen allele CA391557217.